The following is an entry in ClinVar:

NM_025000.4(DCAF17):c.*530A>G

Gene: DCAF17 (DDB1 and CUL4 associated factor 17; plus strand). Cytogenetic location: 2q31.1.
Variant type: single nucleotide variant.
Coding change: c.*530A>G on transcript NM_025000.4 (MANE Select); 530 bases downstream of the stop codon, A replaced by G.
Molecular consequence: 3 prime UTR variant. On other transcripts: non-coding transcript variant (1).
Genome position (GRCh38, 1-based): chr2:171,481,644, A>G. VCF-style: chr2-171481644-A-G. GRCh37 (hg19) VCF-style: chr2-172338154-A-G.
Other names: c.*530A>G (NM_001164821.2).
Identifiers: ClinVar variation 332279 (VCV000332279.5), dbSNP rs115676571, ClinGen allele CA1965042.
Genomic context (GRCh38, chr2:171,481,644, plus strand): 5'-GTTATGTGAGAACATTATTTTGAGCCCAAAATGTGTCATCACAGTTTTTAAAAATCTTAT[A>G]TATGTATTTATATGTGTTTCGTATTTGTATATAGTATCAGGAATTGGTTCTAGTTCCCAA-3'

ClinVar aggregate classification (germline): Likely benign (1 of 4 stars; one submission).

Conditions:
Woodhouse-Sakati syndrome. Also called: Hypogonadism, Alopecia, Diabetes Mellitus, Mental Retardation, and Extrapyramidal Syndrome; Hypogonadism, diabetes mellitus, alopecia, mental retardation and electrocardiographic abnormalities; EXTRAPYRAMIDAL DISORDER, PROGRESSIVE, WITH PRIMARY HYPOGONADISM, MENTAL RETARDATION, AND ALOPECIA. Identifiers: Orphanet 3464, MedGen C0342286, MONDO:0009419, OMIM 241080.

Allele frequency attached by ClinVar (database versions not stated): gnomAD exomes 0.00032 and 0.00050; 1000 Genomes Project 0.00280; gnomAD 0.00255 and 0.00277; TOPMed 0.00262; ExAC 0.00009; 1000 Genomes Project 30x 0.00328.
gnomAD v4.1: 479 of 453,056 alleles (0.11%); highest among the groups gnomAD compares: African/African-American, 0.89%; 4 homozygotes.

Submission:

Illumina Laboratory Services, Illumina
Classification: Likely benign for Woodhouse-Sakati syndrome. Last evaluated: 2018-01-13. Review status: criteria provided, single submitter. Criteria: ICSL Variant Classification Criteria 13 December 2019. Collection method: clinical testing. Allele origin: germline.
Comment: This variant was observed in the ICSL laboratory as part of a predisposition screen in an ostensibly healthy population. It had not been previously curated by ICSL or reported in the Human Gene Mutation Database (HGMD: prior to June 1st, 2018), and was therefore a candidate for classification through an automated scoring system. Utilizing variant allele frequency, disease prevalence and penetrance estimates, and inheritance mode, an automated score was calculated to assess if this variant is too frequent to cause the disease. Based on the score and internal cut-off values, a variant classified as likely benign is not then subjected to further curation. The score for this variant resulted in a classification of likely benign for this disease.